The following is an entry in ClinVar:

ClinVar aggregate classification (germline): Likely benign (1 of 4 stars; one submission).

Conditions:
MELAS syndrome (MELAS). Also called: Juvenile myopathy, encephalopathy, lactic acidosis, stroke. Identifiers: Orphanet 550, MedGen C0162671, MONDO:0010789, OMIM 540000.

Submission:

Wong Mito Lab, Molecular and Human Genetics, Baylor College of Medicine
Classification: Likely benign for MELAS syndrome. Last evaluated: 2019-07-12. Review status: criteria provided, single submitter. Criteria: Modified ACMG Guidelines (Unpublished). Collection method: clinical testing. Allele origin: germline.
Comment: The NC_012920.1:m.5566A>G variant in MT-TW gene is interpreted to be a Likely Benign variant based on the modified ACMG guidelines (unpublished). This variant meets the following evidence codes reported in the guidelines: BP4, BP6

Literature cited by the submitters: PubMed 31965079.

NC_012920.1(MT-TW):m.5566A>G

Gene: MT-TW (mitochondrially encoded tRNA tryptophan; plus strand).
Variant type: single nucleotide variant.
Genome position: chrM-5566-A-G.
Identifiers: ClinVar variation 689944 (VCV000689944.1), dbSNP rs1603220029, ClinGen allele CA913179884.